The following is an entry in ClinVar:

ClinVar aggregate classification (germline): Uncertain significance (1 of 4 stars; one submission).

Conditions:
Syndromic multisystem autoimmune disease due to ITCH deficiency. Also called: AUTOIMMUNE DISEASE, MULTISYSTEM, WITH FACIAL DYSMORPHISM. Identifiers: Orphanet 228426, MedGen C3150649, MONDO:0013245, OMIM 613385.

Allele frequency attached by ClinVar (database versions not stated): gnomAD exomes 0.00001 and 0.00003; ExAC 0.00002; gnomAD 0.00002; TOPMed 0.00002.
gnomAD v4.1: 22 of 1,613,752 alleles (0.0014%); highest among the groups gnomAD compares: East Asian, 0.02%; no homozygotes.

Submission:

Labcorp Genetics (formerly Invitae), Labcorp
Classification: Uncertain significance for Syndromic multisystem autoimmune disease due to ITCH deficiency. Last evaluated: 2022-06-13. Review status: criteria provided, single submitter. Criteria: Invitae Variant Classification Sherloc (09022015). Collection method: clinical testing. Allele origin: germline.
Comment: This variant is present in population databases (rs751414549, gnomAD 0.03%). In summary, the available evidence is currently insufficient to determine the role of this variant in disease. Therefore, it has been classified as a Variant of Uncertain Significance. Algorithms developed to predict the effect of missense changes on protein structure and function output the following: SIFT: "Not Available"; PolyPhen-2: "Benign"; Align-GVGD: "Not Available". The leucine amino acid residue is found in multiple mammalian species, which suggests that this missense change does not adversely affect protein function. ClinVar contains an entry for this variant (Variation ID: 1056840). This variant has not been reported in the literature in individuals affected with ITCH-related conditions. This sequence change replaces serine, which is neutral and polar, with leucine, which is neutral and non-polar, at codon 6 of the ITCH protein (p.Ser6Leu).

NM_031483.7(ITCH):c.17C>T (p.Ser6Leu)

Gene: ITCH (itchy E3 ubiquitin protein ligase; plus strand). Cytogenetic location: 20q11.22.
Variant type: single nucleotide variant.
Coding change: c.17C>T on transcript NM_031483.7 (MANE Select); coding-DNA position 17, C replaced by T.
Protein change: p.Ser6Leu; replaces serine 6 with leucine.
Molecular consequence: missense variant. On other transcripts: 5 prime UTR variant (1).
Genome position (GRCh38, 1-based): chr20:34,393,828, C>T. VCF-style: chr20-34393828-C-T. GRCh37 (hg19) VCF-style: chr20-32981634-C-T.
Other names: c.17C>T, p.Ser6Leu (NM_001257137.3, NM_001324197.2, NM_001324198.2); c.-172C>T (NM_001257138.3); short protein forms S6L.
Identifiers: ClinVar variation 1056840 (VCV001056840.3), dbSNP rs751414549, ClinGen allele CA9821208.